The following is an entry in ClinVar:

ClinVar aggregate classification (germline): Likely benign (1 of 4 stars; one submission).

Allele frequency attached by ClinVar (database versions not stated): ESP Exome Variant Server 0.00008; TOPMed 0.00012; 1000 Genomes Project 30x 0.00016; 1000 Genomes Project 0.00020; gnomAD 0.00021.
gnomAD v4.1: 426 of 1,613,640 alleles (0.026%); highest among the groups gnomAD compares: South Asian, 0.23%; 6 homozygotes.

Submission:

CeGaT Center for Human Genetics Tuebingen
Classification: Likely benign. Last evaluated: 2023-01-01. Review status: criteria provided, single submitter. Criteria: CeGaT Center For Human Genetics Tuebingen Variant Classification Criteria Version 2. Collection method: clinical testing. Allele origin: germline. Affected: yes. Observed: 1 variant allele.
Comment: TATDN3: BS2

NM_001042552.3(TATDN3):c.515T>C (p.Phe172Ser)

Gene: TATDN3 (TatD DNase domain containing 3; plus strand). Cytogenetic location: 1q32.3.
Variant type: single nucleotide variant.
Coding change: c.515T>C on transcript NM_001042552.3 (MANE Select); coding-DNA position 515, T replaced by C.
Protein change: p.Phe172Ser; replaces phenylalanine 172 with serine.
Molecular consequence: missense variant. On other transcripts: intron variant (2).
Genome position (GRCh38, 1-based): chr1:212,807,763, T>C. VCF-style: chr1-212807763-T-C. GRCh37 (hg19) VCF-style: chr1-212981105-T-C.
Other names: c.515T>C, p.Phe172Ser (NM_001042553.3, NM_001146169.2, NM_001146171.2); c.452T>C, p.Phe151Ser (NM_001146170.2); c.487+3112T>C (NM_001363589.2, NM_001363590.2); short protein forms F151S, F172S.
Identifiers: ClinVar variation 2639885 (VCV002639885.24), dbSNP rs185603499, ClinGen allele CA1385657.